The following is an entry in ClinVar:

ClinVar aggregate classification (germline): Pathogenic (1 of 4 stars; one submission).

Conditions:
Spastic paraplegia. Identifiers: MedGen C0037772, HP:0001258.

Submission:

Labcorp Genetics (formerly Invitae), Labcorp
Classification: Pathogenic for Spastic paraplegia. Last evaluated: 2019-10-21. Review status: criteria provided, single submitter. Criteria: Invitae Variant Classification Sherloc (09022015). Collection method: clinical testing. Allele origin: germline.
Comment: For these reasons, this variant has been classified as Pathogenic. Loss-of-function variants in ZFYVE26 are known to be pathogenic (PMID: 18394578, 19805727). This variant has not been reported in the literature in individuals with ZFYVE26-related conditions. This variant is not present in population databases (ExAC no frequency). This sequence change creates a premature translational stop signal (p.Ser1962Asnfs*16) in the ZFYVE26 gene. It is expected to result in an absent or disrupted protein product.

Literature cited by the submitters: PubMed 18394578; PubMed 19805727.

NM_015346.4(ZFYVE26):c.5884_5894delinsAATC (p.Ser1962fs)

Gene: ZFYVE26 (zinc finger FYVE-type containing 26; minus strand). Cytogenetic location: 14q24.1.
Variant type: Indel.
Coding change: c.5884_5894delinsAATC on transcript NM_015346.4 (MANE Select); coding-DNA positions 5884 to 5894, TCCAAGGGCCT replaced by AATC.
Protein change: p.Ser1962fs; shifts the reading frame from serine 1962.
Molecular consequence: frameshift variant.
Genome position (GRCh38, 1-based): chr14:67,766,344-67,766,354, AGGCCCTTGGA replaced by GATT on the plus strand (TCCAAGGGCCT replaced by AATC on the coding strand, the reverse complement: ZFYVE26 is on the minus strand). VCF-style: chr14-67766344-AGGCCCTTGGA-GATT. GRCh37 (hg19) VCF-style: chr14-68233061-AGGCCCTTGGA-GATT.
Other names: short protein forms S1962fs.
Identifiers: ClinVar variation 965526 (VCV000965526.6), dbSNP rs2039058807, ClinGen allele CA1139663518.
Genomic context (GRCh38, chr14:67,766,344, plus strand): 5'-CTGAACAGCAGCTGCTTCATGATGTCCGTGAGCAGCCCGGCATCCACCTCTGGGTTGGTG[AGGCCCTTGGA>GATT]GAGCCTGCAGCAGTGCTCAATCAGCTGGTGACCACAGGCAATGCTGTCCCGGTGCAGATT-3'